The following continues an entry in ClinVar:

NM_004999.4(MYO6):c.2751dup (p.Gln918fs)

Gene: MYO6. ClinVar aggregate classification (germline): Likely pathogenic. Likely pathogenic (1).

Submissions 9 to 16 of 16:

Genomic Medicine Center of Excellence, King Faisal Specialist Hospital and Research Centre
Classification: Likely pathogenic for Junctional epidermolysis bullosa with pyloric atresia. Last evaluated: 2024-12-17. Review status: criteria provided, single submitter. Criteria: ACMG Guidelines, 2015. Collection method: clinical testing. Allele origin: germline. Not counted in ClinVar's aggregate classification.

GeneDx
Classification: Pathogenic. Last evaluated: 2022-11-09. Review status: criteria provided, single submitter. Criteria: GeneDx Variant Classification Process June 2021. Collection method: clinical testing. Allele origin: germline. Affected: yes. Not counted in ClinVar's aggregate classification.
Comment: Frameshift variant predicted to result in protein truncation or nonsense mediated decay in a gene for which loss-of-function is a known mechanism of disease; Not observed at significant frequency in large population cohorts (gnomAD); This variant is associated with the following publications: (PMID: 33297549, 30245029, 25080041)

Mendelics
Classification: Uncertain significance. Last evaluated: 2022-05-04. Review status: criteria provided, single submitter. Criteria: Mendelics Assertion Criteria 2019. Collection method: clinical testing. Allele origin: germline. Not counted in ClinVar's aggregate classification.

Molecular Genetics, Royal Melbourne Hospital
Classification: Pathogenic for Nonsyndromic genetic hearing loss. Last evaluated: 2022-03-03. Review status: criteria provided, single submitter. Criteria: ACMG Guidelines, 2015. Collection method: clinical testing. Allele origin: germline. Affected: yes. Not counted in ClinVar's aggregate classification.
Comment: This sequence change in MYO6 is a frameshift variant predicted to cause a premature stop codon, p.(Gln918Thrfs*24) in biologically-relevant-exon 26/35 leading to nonsense mediated decay in a gene in which loss-of-function is an established disease mechanism (ClinGen). The highest population minor allele frequency in gnomAD v3.1 is 0.007% (1/14,740 alleles) in the Latino/Admixed American population. The prevalence of the variant in individuals with non-syndromic hearing loss is significantly increased compared with the prevalence in controls (Odds ratio 17.2, 95% confidence interval: 1.79 - 165) (Cases: PMID: 25080041, 26969326, 33297549; Controls: gnomAD v3.1 Latino/Admixed American population). Based on the classification scheme RMH Modified ACMG Guidelines v1.5.1, this variant is classified as PATHOGENIC. Following criteria are met: PVS1, PS4_Moderate.

Institute of Medical Genetics and Applied Genomics, University Hospital Tübingen
Classification: Pathogenic. Last evaluated: 2021-09-15. Review status: criteria provided, single submitter. Criteria: ACMG Guidelines, 2015. Collection method: clinical testing. Allele origin: germline. Inheritance: Autosomal dominant inheritance. Affected: yes. Not counted in ClinVar's aggregate classification.

Precision Medicine Center, Zhengzhou University
Classification: Pathogenic for Autosomal dominant nonsyndromic hearing loss 22. Last evaluated: 2006-06-30. Review status: criteria provided, single submitter. Criteria: ClinGen HL ACMG Specifications v1. Collection method: clinical testing. Allele origin: unknown. Affected: yes. Not counted in ClinVar's aggregate classification.
Comment: PVS1+PM2+PS4_supporting: The MYO6 c.2751dupA variant is a duplication predicted to cause a frameshift, resulting in a premature termination codon. This variant is expected to produce an absent or truncated protein through nonsense-mediated mRNA decay or disruption of normal protein function. As loss of function is an established disease mechanism for MYO6-related hearing loss, this variant meets the PVS1 criterion. The variant is absent or extremely rare in population databases, including gnomAD, supporting its rarity in the general population (PM2). In addition, the variant has been identified in multiple unrelated individuals with MYO6-related hearing loss, providing supporting evidence for an increased prevalence in affected individuals compared with controls (PMID: 33297549)(PS4_Supporting). Based on the ACMG/AMP guidelines, this variant meets the criteria PVS1, PM2, and PS4_Supporting, and is therefore classified as Pathogenic.

Rady Children's Institute for Genomic Medicine, Rady Children's Hospital San Diego
Classification: Likely pathogenic for DEAFNESS, AUTOSOMAL DOMINANT 22. Review status: criteria provided, single submitter. Criteria: ACMG Guidelines, 2015. Collection method: clinical testing. Allele origin: germline. Affected: yes. Not counted in ClinVar's aggregate classification.
Comment: This frameshifting variant in exon 26 of 35 introduces a premature stop codon and is therefore predicted to result in loss of normal protein function through either protein truncation or nonsense-mediated mRNA decay (NMD). This variant has been previously reported as a heterozygous variant in one individual with late-onset progressive, moderate non-syndromic hearing loss (PMID: 25080041). It is present in the heterozygous state in the gnomAD population database at a frequency of 0.032% (76/235680). Based on the available evidence, the c.2751dup (p.Gln918ThrfsTer24) variant is classified as Likely Pathogenic.

University of Washington Center for Mendelian Genomics, University of Washington
Classification: Uncertain significance for essential tremor. Review status: no assertion criteria provided. Collection method: research. Allele origin: inherited. Affected: yes. Not counted in ClinVar's aggregate classification.

Literature cited by the submitters: PubMed 39336818 (cited by Women's Health and Genetics/Laboratory Corporation of America, LabCorp); PubMed 40592345 (cited by Women's Health and Genetics/Laboratory Corporation of America, LabCorp); PubMed 30192042 (cited by Dasa); PubMed 25080041 (cited by 4 submitters); PubMed 33297549 (cited by Dasa and Molecular Genetics, Royal Melbourne Hospital); PubMed 12687499 (cited by Labcorp Genetics (formerly Invitae), Labcorp); PubMed 18348273 (cited by Labcorp Genetics (formerly Invitae), Labcorp); PubMed 23767834 (cited by Labcorp Genetics (formerly Invitae), Labcorp); PubMed 25999546 (cited by Labcorp Genetics (formerly Invitae), Labcorp); PubMed 30582396 (cited by Labcorp Genetics (formerly Invitae), Labcorp); PubMed 26969326 (cited by Molecular Genetics, Royal Melbourne Hospital); PubMed 33279834 (cited by University of Washington Center for Mendelian Genomics, University of Washington).